The following is an entry in ClinVar:

NM_001276345.2(TNNT2):c.148G>A (p.Glu50Lys)

Gene: TNNT2 (troponin T2, cardiac type; minus strand). Cytogenetic location: 1q32.1.
Variant type: single nucleotide variant.
Coding change: c.148G>A on transcript NM_001276345.2 (MANE Select); coding-DNA position 148, G replaced by A.
Protein change: p.Glu50Lys; replaces glutamic acid 50 with lysine.
Molecular consequence: missense variant.
Genome position (GRCh38, 1-based): chr1:201,368,177, C>T on the plus strand (G>A on the coding strand, the complement: TNNT2 is on the minus strand). VCF-style: chr1-201368177-C-T. GRCh37 (hg19) VCF-style: chr1-201337305-C-T.
Other names: c.148G>A, p.Glu50Lys (NM_000364.4, NM_001276346.2); c.118G>A, p.Glu40Lys (NM_001001430.3, NM_001001431.3, NM_001276347.2); c.103G>A, p.Glu35Lys (NM_001001432.3); short protein forms E40K, E50K, E35K.
Identifiers: ClinVar variation 921882 (VCV000921882.8), dbSNP rs1660021596, ClinGen allele CA344207239.
Genomic context (GRCh38, chr1:201,368,177, plus strand): 5'-TCTCGCCACCCCCTGAGGCCCCTGCACCCTCAACCAGAGACTTACCTTCTGCCCTGGTCT[C>T]CTCGGTCTCAGCCTCTGCTTCAGCATCCTCTTCCGCTGCCTCCTCCTGCTCTGGAGAAGT-3'
Protein context (NP_001263274.1, residues 40-60): EDAEAEAETE[Glu50Lys]TRAEEDEEEE

ClinVar aggregate classification (germline): Uncertain significance. Review status: criteria provided, multiple submitters, no conflicts (2 of 4 stars). 3 submissions from 3 submitters: Uncertain significance (3). Last evaluated 2025-04-18.

Conditions:
Cardiovascular phenotype. Identifiers: MedGen CN230736.
Cardiomyopathy (CMYO). Also called: Cardiomyopathies. Identifiers: Orphanet 167848, MedGen C0878544, MONDO:0004994, HP:0001638. Inheritance: Various modes of inheritance.

Submissions (3):

Ambry Genetics
Classification: Uncertain significance for Cardiovascular phenotype. Last evaluated: 2025-04-18. Review status: criteria provided, single submitter. Criteria: Ambry Variant Classification Scheme 2023. Collection method: clinical testing. Allele origin: germline.
Comment: The p.E40K variant (also known as c.118G>A), located in coding exon 4 of the TNNT2 gene, results from a G to A substitution at nucleotide position 118. The glutamic acid at codon 40 is replaced by lysine, an amino acid with similar properties. This amino acid position is well conserved in available vertebrate species. In addition, the in silico prediction for this alteration is inconclusive. Based on the available evidence, the clinical significance of this variant remains unclear.

All of Us Research Program, National Institutes of Health
Classification: Uncertain significance for Cardiomyopathy. Last evaluated: 2024-09-23. Review status: criteria provided, single submitter. Criteria: ACMG Guidelines, 2015. Collection method: clinical testing. Allele origin: germline. Inheritance: Autosomal dominant inheritance. Observed: 3 variant alleles, 3 heterozygotes.
Comment: This missense variant replaces glutamic acid with lysine at codon 40 of the TNNT2 protein. Computational prediction suggests that this variant may not impact protein structure and function (internally defined REVEL score threshold <= 0.5, PMID: 27666373). To our knowledge, functional studies have not been reported for this variant. This variant has not been reported in individuals affected with TNNT2-related disorders in the literature. This variant has not been identified in the general population by the Genome Aggregation Database (gnomAD). The available evidence is insufficient to determine the role of this variant in disease conclusively. Therefore, this variant is classified as a Variant of Uncertain Significance.

This study involves interpretation of variants in research participants for the purpose of population health screening. Participant phenotype was not available at the time of variant classification. Additional details can be found in publication PMID: 35346344, PMCID: PMC8962531

Color Diagnostics, LLC DBA Color Health
Classification: Uncertain significance for Cardiomyopathy. Last evaluated: 2024-03-06. Review status: criteria provided, single submitter. Criteria: ACMG Guidelines, 2015. Collection method: clinical testing. Allele origin: germline.
Comment: This missense variant replaces glutamic acid with lysine at codon 40 of the TNNT2 protein. Computational prediction suggests that this variant may not impact protein structure and function (internally defined REVEL score threshold <= 0.5, PMID: 27666373). To our knowledge, functional studies have not been reported for this variant. This variant has not been reported in individuals affected with TNNT2-related disorders in the literature. This variant has not been identified in the general population by the Genome Aggregation Database (gnomAD). The available evidence is insufficient to determine the role of this variant in disease conclusively. Therefore, this variant is classified as a Variant of Uncertain Significance.